The following is an entry in ClinVar:

ClinVar aggregate classification (germline): Uncertain significance (1 of 4 stars; one submission).

Allele frequency attached by ClinVar (database versions not stated): gnomAD 0.00001; ExAC 0.00001; TOPMed 0.00001; gnomAD exomes 0.00002.
gnomAD v4.1: 29 of 1,609,972 alleles (0.0018%); highest among the groups gnomAD compares: Non-Finnish European, 0.0025%; no homozygotes.

Submission:

Labcorp Genetics (formerly Invitae), Labcorp
Classification: Uncertain significance. Last evaluated: 2025-12-01. Review status: criteria provided, single submitter. Criteria: Invitae Variant Classification Sherloc (09022015). Collection method: clinical testing. Allele origin: germline.
Comment: This sequence change replaces proline, which is neutral and non-polar, with serine, which is neutral and polar, at codon 267 of the RFWD3 protein (p.Pro267Ser). This variant is present in population databases (rs760118115, gnomAD 0.0009%). This variant has not been reported in the literature in individuals affected with RFWD3-related conditions. ClinVar contains an entry for this variant (Variation ID: 2768566). An algorithm developed to predict the effect of missense changes on protein structure and function outputs the following: PolyPhen-2: "Benign". The serine amino acid residue is found in multiple mammalian species, which suggests that this missense change does not adversely affect protein function. In summary, the available evidence is currently insufficient to determine the role of this variant in disease. Therefore, it has been classified as a Variant of Uncertain Significance.

NM_018124.4(RFWD3):c.799C>T (p.Pro267Ser)

Gene: RFWD3 (ring finger and WD repeat domain 3; minus strand). Cytogenetic location: 16q23.1.
Variant type: single nucleotide variant.
Coding change: c.799C>T on transcript NM_018124.4 (MANE Select); coding-DNA position 799, C replaced by T.
Protein change: p.Pro267Ser; replaces proline 267 with serine.
Molecular consequence: missense variant. On other transcripts: 5 prime UTR variant (5).
Genome position (GRCh38, 1-based): chr16:74,644,729, G>A on the plus strand (C>T on the coding strand, the complement: RFWD3 is on the minus strand). VCF-style: chr16-74644729-G-A. GRCh37 (hg19) VCF-style: chr16-74678627-G-A.
Other names: c.799C>T, p.Pro267Ser (NM_001370534.1, NM_001370535.1, NM_001370536.1); c.-36C>T (NM_001370537.1, NM_001370539.1, NM_001370540.1 and 3 more transcripts); short protein forms P267S.
Identifiers: ClinVar variation 2768566 (VCV002768566.3), dbSNP rs760118115, ClinGen allele CA8169413.